The following is an entry in ClinVar:

NM_004447.6(EPS8):c.197G>A (p.Arg66His)

Gene: EPS8 (EGFR pathway substrate 8, signaling adaptor; minus strand). Cytogenetic location: 12p12.3.
Variant type: single nucleotide variant.
Coding change: c.197G>A on transcript NM_004447.6 (MANE Select); coding-DNA position 197, G replaced by A.
Protein change: p.Arg66His; replaces arginine 66 with histidine.
Molecular consequence: missense variant.
Genome position (GRCh38, 1-based): chr12:15,670,863, C>T on the plus strand (G>A on the coding strand, the complement: EPS8 is on the minus strand). VCF-style: chr12-15670863-C-T. GRCh37 (hg19) VCF-style: chr12-15823797-C-T.
Other names: short protein forms R66H.
Identifiers: ClinVar variation 1207459 (VCV001207459.35), dbSNP rs77383735, ClinGen allele CA6467948.

ClinVar aggregate classification (germline): Conflicting classifications of pathogenicity. Review status: criteria provided, conflicting classifications (1 of 4 stars). 7 submissions from 7 submitters: Uncertain significance (4); Likely benign (3). Last evaluated 2026-07-06.

Conditions:
EPS8-related disorder. Also called: EPS8-related condition.
Inborn genetic diseases. Identifiers: MedGen C0950123, MeSH D030342.
Autosomal recessive nonsyndromic hearing loss 102. Also called: Deafness, autosomal recessive 102. Identifiers: Orphanet 90636, MedGen C3892050, MONDO:0014428, OMIM 615974.

Allele frequency attached by ClinVar (database versions not stated): 1000 Genomes Project 30x 0.00016; 1000 Genomes Project 0.00020; ESP Exome Variant Server 0.00031; gnomAD 0.00051 and 0.00052; ExAC 0.00052; TOPMed 0.00063.
gnomAD v4.1: 1,092 of 1,606,960 alleles (0.068%); highest among the groups gnomAD compares: Middle Eastern, 0.63%; 2 homozygotes.

Submissions (7):

PreventionGenetics, part of Exact Sciences
Classification: Uncertain significance for EPS8-related condition. Last evaluated: 2026-07-06. Review status: criteria provided, single submitter. Criteria: ACMG Guidelines, 2015. Collection method: clinical testing. Allele origin: germline.
Comment: The EPS8 c.197G>A variant is predicted to result in the amino acid substitution p.Arg66His. To our knowledge, this variant has not been reported in the literature. This variant is reported in 0.11% of alleles in individuals of Latino descent in gnomAD. Although we suspect that this variant may be benign, at this time, the clinical significance of this variant is uncertain due to the absence of conclusive functional and genetic evidence.

Blueprint Genetics
Classification: Uncertain significance. Last evaluated: 2024-10-30. Review status: criteria provided, single submitter. Criteria: ACMG Guidelines, 2015. Collection method: clinical testing. Allele origin: germline.

GeneDx
Classification: Likely benign. Last evaluated: 2024-08-02. Review status: criteria provided, single submitter. Criteria: GeneDx Variant Classification Process June 2021. Collection method: clinical testing. Allele origin: germline. Affected: yes.
Comment: See Variant Classification Assertion Criteria.

CeGaT Center for Human Genetics Tuebingen
Classification: Likely benign. Last evaluated: 2024-03-01. Review status: criteria provided, single submitter. Criteria: CeGaT Center For Human Genetics Tuebingen Variant Classification Criteria Version 2. Collection method: clinical testing. Allele origin: germline. Affected: yes. Observed: 1 variant allele.
Comment: EPS8: BP4

Labcorp Genetics (formerly Invitae), Labcorp
Classification: Uncertain significance. Last evaluated: 2022-09-06. Review status: criteria provided, single submitter. Criteria: Invitae Variant Classification Sherloc (09022015). Collection method: clinical testing. Allele origin: germline.
Comment: This sequence change replaces arginine, which is basic and polar, with histidine, which is basic and polar, at codon 66 of the EPS8 protein (p.Arg66His). This variant is present in population databases (rs77383735, gnomAD 0.1%), and has an allele count higher than expected for a pathogenic variant. This variant has not been reported in the literature in individuals affected with EPS8-related conditions. ClinVar contains an entry for this variant (Variation ID: 1207459). Algorithms developed to predict the effect of missense changes on protein structure and function output the following: SIFT: "Tolerated"; PolyPhen-2: "Benign"; Align-GVGD: "Class C0". The histidine amino acid residue is found in multiple mammalian species, which suggests that this missense change does not adversely affect protein function. In summary, the available evidence is currently insufficient to determine the role of this variant in disease. Therefore, it has been classified as a Variant of Uncertain Significance.

Ambry Genetics
Classification: Uncertain significance for Inborn genetic diseases. Last evaluated: 2021-08-12. Review status: criteria provided, single submitter. Criteria: Ambry Variant Classification Scheme 2023. Collection method: clinical testing. Allele origin: germline.

Dubai Health Genomic Medicine Center, Dubai Health
Classification: Likely benign for Autosomal recessive nonsyndromic hearing loss 102. Last evaluated: 2020-01-08. Review status: criteria provided, single submitter. Criteria: ACMG Guidelines, 2015. Collection method: clinical testing. Allele origin: germline. Affected: yes.